The following is an entry in ClinVar:

NM_032043.3(BRIP1):c.1643A>G (p.Tyr548Cys)

Gene: BRIP1 (BRCA1 interacting DNA helicase 1; minus strand). Cytogenetic location: 17q23.2.
Variant type: single nucleotide variant.
Coding change: c.1643A>G on transcript NM_032043.3 (MANE Select); coding-DNA position 1643, A replaced by G.
Protein change: p.Tyr548Cys; replaces tyrosine 548 with cysteine.
Molecular consequence: missense variant.
Genome position (GRCh38, 1-based): chr17:61,780,991, T>C on the plus strand (A>G on the coding strand, the complement: BRIP1 is on the minus strand). VCF-style: chr17-61780991-T-C. GRCh37 (hg19) VCF-style: chr17-59858352-T-C.
Other names: short protein forms Y548C.
Identifiers: ClinVar variation 142358 (VCV000142358.18), dbSNP rs587782405, ClinGen allele CA168159.

ClinVar aggregate classification (germline): Uncertain significance. Review status: criteria provided, multiple submitters, no conflicts (2 of 4 stars). 4 submissions from 4 submitters: Uncertain significance (4). Last evaluated 2025-12-22.

Conditions:
Hereditary cancer-predisposing syndrome. Also called: Neoplastic Syndromes, Hereditary; Hereditary Cancer Syndrome; Hereditary neoplastic syndrome; Tumor predisposition. Identifiers: Orphanet 140162, MedGen C0027672, MeSH D009386, MONDO:0015356.
Familial cancer of breast. Also called: Hereditary breast cancer; hereditary breast carcinoma; BREAST CANCER, FAMILIAL. Identifiers: Orphanet 227535, MedGen C0346153, MONDO:0016419, OMIM 114480. Disease mechanism: loss of function.
Fanconi anemia complementation group J. Also called: BRIP1-Related Fanconi Anemia. Identifiers: Orphanet 84, MedGen C1836860, MONDO:0012187, OMIM 609054.

Allele frequency attached by ClinVar (database versions not stated): gnomAD exomes below 0.00001.
gnomAD v4.1: 2 of 1,613,946 alleles (0.00012%); highest among the groups gnomAD compares: Non-Finnish European, 0.00017%; no homozygotes.

Submissions (4):

Labcorp Genetics (formerly Invitae), Labcorp
Classification: Uncertain significance for Familial cancer of breast; Fanconi anemia complementation group J. Last evaluated: 2025-12-22. Review status: criteria provided, single submitter. Criteria: Invitae Variant Classification Sherloc (09022015). Collection method: clinical testing. Allele origin: germline.
Comment: This sequence change replaces tyrosine, which is neutral and polar, with cysteine, which is neutral and slightly polar, at codon 548 of the BRIP1 protein (p.Tyr548Cys). This variant is not present in population databases (gnomAD no frequency). This missense change has been observed in individual(s) with pancreatic ductal adenocarcinoma (PMID: 28767289). ClinVar contains an entry for this variant (Variation ID: 142358). Invitae Evidence Modeling of protein sequence and biophysical properties (such as structural, functional, and spatial information, amino acid conservation, physicochemical variation, residue mobility, and thermodynamic stability) indicates that this missense variant is expected to disrupt BRIP1 protein function with a positive predictive value of 95%. In summary, the available evidence is currently insufficient to determine the role of this variant in disease. Therefore, it has been classified as a Variant of Uncertain Significance.

Ambry Genetics
Classification: Uncertain significance for Hereditary cancer-predisposing syndrome. Last evaluated: 2025-03-29. Review status: criteria provided, single submitter. Criteria: Ambry Variant Classification Scheme 2023. Collection method: clinical testing. Allele origin: germline.
Comment: The p.Y548C variant (also known as c.1643A>G), located in coding exon 11 of the BRIP1 gene, results from an A to G substitution at nucleotide position 1643. The tyrosine at codon 548 is replaced by cysteine, an amino acid with highly dissimilar properties. This alteration has been identified in a patient affected with pancreatic ductal adenocarcinoma with a family history of rectal and prostate cancers (Shindo K et al. J. Clin. Oncol., 2017 Oct;35:3382-3390). This amino acid position is highly conserved in available vertebrate species. In addition, this alteration is predicted to be deleterious by in silico analysis. Since supporting evidence is limited at this time, the clinical significance of this alteration remains unclear.

Color Diagnostics, LLC DBA Color Health
Classification: Uncertain significance for Hereditary cancer-predisposing syndrome. Last evaluated: 2025-03-04. Review status: criteria provided, single submitter. Criteria: ACMG Guidelines, 2015. Collection method: clinical testing. Allele origin: germline.
Comment: This missense variant replaces tyrosine with cysteine at codon 548 of the BRIP1 protein. Computational prediction is inconclusive regarding the impact of this variant on protein structure and function. To our knowledge, functional studies have not been reported for this variant. This variant has been reported in an individual affected pancreatic ductal adenocarcinoma (PMID: 28767289). This variant has not been identified in the general population by the Genome Aggregation Database (gnomAD). The available evidence is insufficient to determine the role of this variant in disease conclusively. Therefore, this variant is classified as a Variant of Uncertain Significance.

Baylor Genetics
Classification: Uncertain significance for Familial cancer of breast. Last evaluated: 2023-11-07. Review status: criteria provided, single submitter. Criteria: ACMG Guidelines, 2015. Collection method: clinical testing. Allele origin: unknown.

Literature cited by the submitters: PubMed 28767289 (cited by 3 submitters).